The following is an entry in ClinVar:

ClinVar aggregate classification (germline): Uncertain significance. Review status: criteria provided, multiple submitters, no conflicts (2 of 4 stars). 2 submissions from 2 submitters: Uncertain significance (2). Last evaluated 2022-08-31.

Allele frequency attached by ClinVar (database versions not stated): gnomAD 0.00001; TOPMed 0.00002; gnomAD exomes 0.00003 and 0.00008; ExAC 0.00007; ESP Exome Variant Server 0.00008.
gnomAD v4.1: 46 of 1,612,024 alleles (0.0029%); highest among the groups gnomAD compares: Admixed American, 0.0067%; no homozygotes.

Submissions (2):

Labcorp Genetics (formerly Invitae), Labcorp
Classification: Uncertain significance. Last evaluated: 2022-08-31. Review status: criteria provided, single submitter. Criteria: Invitae Variant Classification Sherloc (09022015). Collection method: clinical testing. Allele origin: germline.
Comment: In summary, the available evidence is currently insufficient to determine the role of this variant in disease. Therefore, it has been classified as a Variant of Uncertain Significance. ClinVar contains an entry for this variant (Variation ID: 632133). This variant has not been reported in the literature in individuals affected with MYO3A-related conditions. This variant is present in population databases (rs141985215, gnomAD 0.1%). This sequence change disrupts the translational stop signal of the MYO3A mRNA. It is expected to extend the length of the MYO3A protein by 106 additional amino acid residues.

Blueprint Genetics
Classification: Uncertain significance. Last evaluated: 2022-08-18. Review status: criteria provided, single submitter. Criteria: ACMG Guidelines, 2015. Collection method: clinical testing. Allele origin: germline.

NM_017433.5(MYO3A):c.4849T>C (p.Ter1617Gln)

Gene: MYO3A (myosin IIIA; plus strand). Cytogenetic location: 10p12.1.
Variant type: single nucleotide variant.
Coding change: c.4849T>C on transcript NM_017433.5 (MANE Select); coding-DNA position 4849, T replaced by C.
Protein change: p.Ter1617Gln.
Molecular consequence: stop lost.
Genome position (GRCh38, 1-based): chr10:26,211,961, T>C. VCF-style: chr10-26211961-T-C. GRCh37 (hg19) VCF-style: chr10-26500890-T-C.
Other names: *1617Q.
Identifiers: ClinVar variation 632133 (VCV000632133.10), dbSNP rs141985215, ClinGen allele CA5445601.
Genomic context (GRCh38, chr10:26,211,961, plus strand): 5'-TACGACTTCAGGAGGCTCCTGCGCAAAACCTCCCAGCGCCGGCGCCTCGTCCAGCAGTCC[T>C]AACCGTTCAACGAGGCAGTCACCGCCGTCGGAAGGCGCTGGAGCCTGCGGGGCAGCAGGG-3'